The following is an entry in ClinVar:

ClinVar aggregate classification (germline): Uncertain significance (1 of 4 stars; one submission).

Submission:

Labcorp Genetics (formerly Invitae), Labcorp
Classification: Uncertain significance. Last evaluated: 2025-04-09. Review status: criteria provided, single submitter. Criteria: Invitae Variant Classification Sherloc (09022015). Collection method: clinical testing. Allele origin: germline.
Comment: This sequence change replaces glutamic acid, which is acidic and polar, with lysine, which is basic and polar, at codon 260 of the COL11A1 protein (p.Glu260Lys). This variant is not present in population databases (gnomAD no frequency). This variant has not been reported in the literature in individuals affected with COL11A1-related conditions. ClinVar contains an entry for this variant (Variation ID: 2720041). An algorithm developed to predict the effect of missense changes on protein structure and function (PolyPhen-2) suggests that this variant is likely to be disruptive. In summary, the available evidence is currently insufficient to determine the role of this variant in disease. Therefore, it has been classified as a Variant of Uncertain Significance.

NM_001854.4(COL11A1):c.778G>A (p.Glu260Lys)

Gene: COL11A1 (collagen type XI alpha 1 chain; minus strand). Cytogenetic location: 1p21.1.
Variant type: single nucleotide variant.
Coding change: c.778G>A on transcript NM_001854.4 (MANE Select); coding-DNA position 778, G replaced by A.
Protein change: p.Glu260Lys; replaces glutamic acid 260 with lysine.
Molecular consequence: missense variant. On other transcripts: non-coding transcript variant (1).
Genome position (GRCh38, 1-based): chr1:103,031,118, C>T on the plus strand (G>A on the coding strand, the complement: COL11A1 is on the minus strand). VCF-style: chr1-103031118-C-T. GRCh37 (hg19) VCF-style: chr1-103496674-C-T.
Other names: c.778G>A, p.Glu260Lys (NM_001168249.1, NM_001190709.2, NM_080629.3 and 1 more transcripts); short protein forms E260K.
Identifiers: ClinVar variation 2720041 (VCV002720041.3), dbSNP rs2525670196, ClinGen allele CA341159160.